The following is an entry in ClinVar:

NM_017780.4(CHD7):c.7800_7801dup (p.Tyr2601fs)

Gene: CHD7 (chromodomain helicase DNA binding protein 7; plus strand). Cytogenetic location: 8q12.2.
Variant type: Duplication.
Coding change: c.7800_7801dup on transcript NM_017780.4 (MANE Select); coding-DNA positions 7800 to 7801, 2 bases duplicated (TT; older notation c.7800_7801dupTT).
Protein change: p.Tyr2601fs; shifts the reading frame from tyrosine 2601.
Molecular consequence: frameshift variant. On other transcripts: intron variant (1).
Genome position (GRCh38, 1-based): chr8:60,861,095-60,861,096, TT duplicated. VCF-style (leftmost placement, unchanged base first): chr8-60861094-C-CTT. GRCh37 (hg19) VCF-style: chr8-61773653-C-CTT.
Other names: c.1717-1134_1717-1133dup (NM_001316690.1); short protein forms Y2601fs.
Identifiers: ClinVar variation 2584366 (VCV002584366.4), dbSNP rs2488108726, ClinGen allele CA2582341679.
Genomic context (GRCh38, chr8:60,861,094, plus strand): 5'-TGGTGGGGGAAGATGCTCCTAAAAATAAGGATTTAGTTGAATGGCTGAAGCTGCACCCTA[C>CTT]TTACACTGTTGATATGCCAAGTTATGTACCAGTGAGTATTGCAGAGTTTAGAGTTGGAAG-3'

ClinVar aggregate classification (germline): Pathogenic/Likely pathogenic. Review status: criteria provided, multiple submitters, no conflicts (2 of 4 stars). 2 submissions from 2 submitters: Pathogenic (1); Likely pathogenic (1). Last evaluated 2023-10-14.

Conditions:
CHARGE syndrome (CHARGE). Also called: Hittner Hirsch Kreh syndrome; CHARGE ASSOCIATION--COLOBOMA, HEART ANOMALY, CHOANAL ATRESIA, RETARDATION, GENITAL AND EAR ANOMALIES; Coloboma, heart anomaly, choanal atresia, retardation, genital and ear anomalies; CHARGE association; Hall-Hittner syndrome. Identifiers: Orphanet 138, MedGen C0265354, MONDO:0008965.

Submissions (2):

Labcorp Genetics (formerly Invitae), Labcorp
Classification: Pathogenic for CHARGE syndrome. Last evaluated: 2023-10-14. Review status: criteria provided, single submitter. Criteria: Invitae Variant Classification Sherloc (09022015). Collection method: clinical testing. Allele origin: germline.
Comment: This sequence change creates a premature translational stop signal (p.Tyr2601Phefs*39) in the CHD7 gene. It is expected to result in an absent or disrupted protein product. Loss-of-function variants in CHD7 are known to be pathogenic (PMID: 22461308, 25077900). This variant is not present in population databases (gnomAD no frequency). This variant has not been reported in the literature in individuals affected with CHD7-related conditions. For these reasons, this variant has been classified as Pathogenic.

Institute of Human Genetics Munich, TUM University Hospital
Classification: Likely pathogenic for CHD7-related CHARGE syndrome. Last evaluated: 2023-09-13. Review status: criteria provided, single submitter. Criteria: Classification criteria August 2017. Collection method: clinical testing. Allele origin: germline. Inheritance: Autosomal dominant inheritance. Affected: yes. Observed: 1 variant allele.

Literature cited by the submitters: PubMed 22461308 (cited by Labcorp Genetics (formerly Invitae), Labcorp); PubMed 25077900 (cited by Labcorp Genetics (formerly Invitae), Labcorp).